The following is an entry in ClinVar:

NM_000169.3(GLA):c.959A>G (p.Asn320Ser)

Genes: GLA (galactosidase alpha; minus strand), RPL36A-HNRNPH2 (RPL36A-HNRNPH2 readthrough; plus strand). Cytogenetic location: Xq22.1.
Variant type: single nucleotide variant.
Coding change: c.959A>G on transcript NM_000169.3 (MANE Select); coding-DNA position 959, A replaced by G.
Protein change: p.Asn320Ser; replaces asparagine 320 with serine.
Molecular consequence: missense variant. On other transcripts: non-coding transcript variant (3), intron variant (2).
Genome position (GRCh38, 1-based): chrX:101,398,410, T>C on the plus strand (A>G on the coding strand, the complement: GLA is on the minus strand). VCF-style: chrX-101398410-T-C. GRCh37 (hg19) VCF-style: chrX-100653398-T-C.
Other names: c.1082A>G, p.Asn361Ser (NM_001406747.1); c.959A>G, p.Asn320Ser (NM_001406748.1); c.300+2953T>C (NM_001199973.2); c.177+6588T>C (NM_001199974.2); short protein forms N320S, N361S.
Identifiers: ClinVar variation 4029996 (VCV004029996.1).

ClinVar aggregate classification (germline): Uncertain significance (1 of 4 stars; one submission).

Conditions:
Cardiovascular phenotype. Identifiers: MedGen CN230736.

gnomAD v4.1: 1 of 1,209,938 alleles (0.000083%); highest among the groups gnomAD compares: Non-Finnish European, 0.00011%; no homozygotes.

Submission:

Ambry Genetics
Classification: Uncertain significance for Cardiovascular phenotype. Last evaluated: 2025-04-07. Review status: criteria provided, single submitter. Criteria: Ambry Variant Classification Scheme 2023. Collection method: clinical testing. Allele origin: germline.
Comment: The p.N320S variant (also known as c.959A>G), located in coding exon 6 of the GLA gene, results from an A to G substitution at nucleotide position 959. The asparagine at codon 320 is replaced by serine, an amino acid with highly similar properties. This amino acid position is well conserved in available vertebrate species. In addition, the in silico prediction for this alteration is inconclusive. Based on the available evidence, the clinical significance of this variant remains unclear.